The following is an entry in ClinVar:

NM_017654.4(SAMD9):c.69A>C (p.Leu23Phe)

Gene: SAMD9 (sterile alpha motif domain containing 9; minus strand). Cytogenetic location: 7q21.2.
Variant type: single nucleotide variant.
Coding change: c.69A>C on transcript NM_017654.4 (MANE Select); coding-DNA position 69, A replaced by C.
Protein change: p.Leu23Phe; replaces leucine 23 with phenylalanine.
Molecular consequence: missense variant.
Genome position (GRCh38, 1-based): chr7:93,106,029, T>G on the plus strand (A>C on the coding strand, the complement: SAMD9 is on the minus strand). VCF-style: chr7-93106029-T-G. GRCh37 (hg19) VCF-style: chr7-92735342-T-G.
Other names: c.69A>C, p.Leu23Phe (NM_001193307.2); short protein forms L23F.
Identifiers: ClinVar variation 3792154 (VCV003792154.1).

ClinVar aggregate classification (germline): Uncertain significance (1 of 4 stars; one submission).

Conditions:
Inborn genetic diseases. Identifiers: MedGen C0950123, MeSH D030342.

Submission:

Ambry Genetics
Classification: Uncertain significance for Inborn genetic diseases. Last evaluated: 2025-03-07. Review status: criteria provided, single submitter. Criteria: Ambry Variant Classification Scheme 2023. Collection method: clinical testing. Allele origin: germline.
Comment: The p.L23F variant (also known as c.69A>C), located in coding exon 1 of the SAMD9 gene, results from an A to C substitution at nucleotide position 69. The leucine at codon 23 is replaced by phenylalanine, an amino acid with highly similar properties. This amino acid position is conserved. In addition, this alteration is predicted to be tolerated by in silico analysis. Based on the available evidence, the clinical significance of this variant remains unclear.